The following is an entry in ClinVar:

NM_004722.4(AP4M1):c.1259A>T (p.Gln420Leu)

Gene: AP4M1 (adaptor related protein complex 4 subunit mu 1; plus strand). Cytogenetic location: 7q22.1.
Variant type: single nucleotide variant.
Coding change: c.1259A>T on transcript NM_004722.4 (MANE Select); coding-DNA position 1259, A replaced by T.
Protein change: p.Gln420Leu; replaces glutamine 420 with leucine.
Molecular consequence: missense variant.
Genome position (GRCh38, 1-based): chr7:100,106,779, A>T. VCF-style: chr7-100106779-A-T. GRCh37 (hg19) VCF-style: chr7-99704402-A-T.
Other names: c.1280A>T, p.Gln427Leu (NM_001363671.2); short protein forms Q420L, Q427L.
Identifiers: ClinVar variation 2421746 (VCV002421746.6), dbSNP rs2546964192, ClinGen allele CA368477118.

ClinVar aggregate classification (germline): Uncertain significance (1 of 4 stars; one submission).

Conditions:
Hereditary spastic paraplegia 50 (SPG50). Also called: Spastic paraplegia 50, autosomal recessive. Identifiers: Orphanet 280763, MedGen C2752008, MONDO:0013048, OMIM 612936.

Submission:

Labcorp Genetics (formerly Invitae), Labcorp
Classification: Uncertain significance for Hereditary spastic paraplegia 50. Last evaluated: 2024-10-29. Review status: criteria provided, single submitter. Criteria: Invitae Variant Classification Sherloc (09022015). Collection method: clinical testing. Allele origin: germline.
Comment: This sequence change replaces glutamine, which is neutral and polar, with leucine, which is neutral and non-polar, at codon 420 of the AP4M1 protein (p.Gln420Leu). This variant is not present in population databases (gnomAD no frequency). This variant has not been reported in the literature in individuals affected with AP4M1-related conditions. ClinVar contains an entry for this variant (Variation ID: 2421746). Invitae Evidence Modeling of protein sequence and biophysical properties (such as structural, functional, and spatial information, amino acid conservation, physicochemical variation, residue mobility, and thermodynamic stability) has been performed for this missense variant. However, the output from this modeling did not meet the statistical confidence thresholds required to predict the impact of this variant on AP4M1 protein function. In summary, the available evidence is currently insufficient to determine the role of this variant in disease. Therefore, it has been classified as a Variant of Uncertain Significance.